The following is an entry in ClinVar:

NM_001130438.3(SPTAN1):c.4774-12del

Gene: SPTAN1 (spectrin alpha, non-erythrocytic 1; plus strand). Cytogenetic location: 9q34.11.
Variant type: Deletion.
Coding change: c.4774-12del on transcript NM_001130438.3 (MANE Select); 12 bases into the intron before coding-DNA position 4774, one base deleted (T; older notation c.4774-12delT).
Molecular consequence: intron variant.
Genome position (GRCh38, 1-based): chr9:128,611,702, T deleted; the last of 7 consecutive T bases (chr9:128,611,696-128,611,702); deleting any one gives the same sequence. VCF-style (leftmost placement, unchanged base first): chr9-128611695-AT-A. GRCh37 (hg19) VCF-style: chr9-131373974-AT-A.
Other names: NC_000009.11:g.131373981del; c.4774-12delT (NM_001130438.2); c.4774-12del (NM_001363759.2); c.4759-12del (NM_003127.4); c.4714-12del (NM_001363765.2); c.4699-12del (NM_001195532.2).
Identifiers: ClinVar variation 421714 (VCV000421714.2), dbSNP rs1064795314, ClinGen allele CA16618759.

ClinVar aggregate classification (germline): Likely benign (1 of 4 stars; one submission).

Submissions (2):

GeneDx
Classification: Likely benign. Last evaluated: 2016-07-20. Review status: criteria provided, single submitter. Criteria: GeneDx Variant Classification (06012015). Collection method: clinical testing. Allele origin: germline. Affected: yes.
Comment: This variant is considered likely benign or benign based on one or more of the following criteria: it is a conservative change, it occurs at a poorly conserved position in the protein, it is predicted to be benign by multiple in silico algorithms, and/or has population frequency not consistent with disease.

Dr. Peter K. Rogan Lab, Western University
No classification provided (evidence only). Condition: Gastric cancer. Review status: no classification provided. Collection method: in vitro. Allele origin: not applicable. Functional consequence: retained intron. Not counted in ClinVar's aggregate classification.